The following is an entry in ClinVar:

ClinVar aggregate classification (germline): Uncertain significance (1 of 4 stars; one submission).

Submission:

Labcorp Genetics (formerly Invitae), Labcorp
Classification: Uncertain significance. Last evaluated: 2024-04-22. Review status: criteria provided, single submitter. Criteria: Invitae Variant Classification Sherloc (09022015). Collection method: clinical testing. Allele origin: germline.
Comment: This sequence change replaces phenylalanine, which is neutral and non-polar, with leucine, which is neutral and non-polar, at codon 299 of the MECOM protein (p.Phe299Leu). This variant is not present in population databases (gnomAD no frequency). This variant has not been reported in the literature in individuals affected with MECOM-related conditions. An algorithm developed to predict the effect of missense changes on protein structure and function (PolyPhen-2) suggests that this variant is likely to be disruptive. In summary, the available evidence is currently insufficient to determine the role of this variant in disease. Therefore, it has been classified as a Variant of Uncertain Significance.

NM_004991.4(MECOM):c.1459T>C (p.Phe487Leu)

Gene: MECOM (MDS1 and EVI1 complex locus; minus strand). Cytogenetic location: 3q26.2.
Variant type: single nucleotide variant.
Coding change: c.1459T>C on transcript NM_004991.4 (MANE Select); coding-DNA position 1459, T replaced by C.
Protein change: p.Phe487Leu; replaces phenylalanine 487 with leucine.
Molecular consequence: missense variant. On other transcripts: intron variant (2).
Genome position (GRCh38, 1-based): chr3:169,116,413, A>G on the plus strand (T>C on the coding strand, the complement: MECOM is on the minus strand). VCF-style: chr3-169116413-A-G. GRCh37 (hg19) VCF-style: chr3-168834201-A-G.
Other names: c.1090T>C, p.Phe364Leu (NM_001105077.4); c.895T>C, p.Phe299Leu (NM_001105078.4, NM_001164000.2, NM_001205194.2 and 4 more transcripts); c.898T>C, p.Phe300Leu (NM_001163999.2, NM_001366467.2, NM_001366468.2 and 1 more transcripts); c.1459T>C, p.Phe487Leu (NM_001366466.2); c.1133-646T>C (NM_001366473.2); c.569-646T>C (NM_001366474.2); short protein forms F299L, F364L, F300L, F487L.
Identifiers: ClinVar variation 3650617 (VCV003650617.2).